The following is an entry in ClinVar:

NM_002439.5(MSH3):c.949G>C (p.Ala317Pro)

Genes: MSH3 (mutS homolog 3; plus strand), LOC126807437 (MED14-independent group 3 enhancer GRCh37_chr5:79968379-79969578; plus strand). Cytogenetic location: 5q14.1.
Variant type: single nucleotide variant.
Coding change: c.949G>C on transcript NM_002439.5 (MANE Select); coding-DNA position 949, G replaced by C.
Protein change: p.Ala317Pro; replaces alanine 317 with proline.
Molecular consequence: missense variant.
Genome position (GRCh38, 1-based): chr5:80,672,780, G>C. VCF-style: chr5-80672780-G-C. GRCh37 (hg19) VCF-style: chr5-79968599-G-C.
Other names: short protein forms A317P.
Identifiers: ClinVar variation 2769756 (VCV002769756.3), dbSNP rs2112814270, ClinGen allele CA360267400.
Genomic context (GRCh38, chr5:80,672,780, plus strand): 5'-TATTTCTTATTTTTGTTGAAGGTGGGAGTTGTGAAGCAAACTGAAACTGCAGCATTAAAG[G>C]CCATTGGAGACAACAGAAGTTCACTCTTTTCCCGGAAATTGACTGCCCTTTATACAAAAT-3'
Protein context (NP_002430.3, residues 307-327): VKQTETAALK[Ala317Pro]IGDNRSSLFS

ClinVar aggregate classification (germline): Uncertain significance (1 of 4 stars; one submission).

Submission:

Labcorp Genetics (formerly Invitae), Labcorp
Classification: Uncertain significance. Last evaluated: 2025-04-28. Review status: criteria provided, single submitter. Criteria: Invitae Variant Classification Sherloc (09022015). Collection method: clinical testing. Allele origin: germline.
Comment: This sequence change replaces alanine, which is neutral and non-polar, with proline, which is neutral and non-polar, at codon 317 of the MSH3 protein (p.Ala317Pro). This variant is not present in population databases (gnomAD no frequency). This variant has not been reported in the literature in individuals affected with MSH3-related conditions. ClinVar contains an entry for this variant (Variation ID: 2769756). An algorithm developed to predict the effect of missense changes on protein structure and function (PolyPhen-2) suggests that this variant is likely to be disruptive. In summary, the available evidence is currently insufficient to determine the role of this variant in disease. Therefore, it has been classified as a Variant of Uncertain Significance.